The following is an entry in ClinVar:

NM_001184.4(ATR):c.5792C>T (p.Ala1931Val)

Gene: ATR (ATR checkpoint kinase; minus strand). Cytogenetic location: 3q23.
Variant type: single nucleotide variant.
Coding change: c.5792C>T on transcript NM_001184.4 (MANE Select); coding-DNA position 5792, C replaced by T.
Protein change: p.Ala1931Val; replaces alanine 1931 with valine.
Molecular consequence: missense variant.
Genome position (GRCh38, 1-based): chr3:142,496,467, G>A on the plus strand (C>T on the coding strand, the complement: ATR is on the minus strand). VCF-style: chr3-142496467-G-A. GRCh37 (hg19) VCF-style: chr3-142215309-G-A.
Other names: c.5600C>T, p.Ala1867Val (NM_001354579.2); short protein forms A1867V, A1931V.
Identifiers: ClinVar variation 3221225 (VCV003221225.1), dbSNP rs2473155056, ClinGen allele CA354813745.

ClinVar aggregate classification (germline): Uncertain significance (1 of 4 stars; one submission).

Conditions:
Inborn genetic diseases. Identifiers: MedGen C0950123, MeSH D030342.

Allele frequency attached by ClinVar (database versions not stated): gnomAD exomes below 0.00001.
gnomAD v4.1: 2 of 1,612,350 alleles (0.00012%); highest among the groups gnomAD compares: African/African-American, 0.0027%; no homozygotes.

Submission:

Ambry Genetics
Classification: Uncertain significance for Inborn genetic diseases. Last evaluated: 2024-01-14. Review status: criteria provided, single submitter. Criteria: Ambry Variant Classification Scheme 2023. Collection method: clinical testing. Allele origin: germline.
Comment: The p.A1931V variant (also known as c.5792C>T), located in coding exon 34 of the ATR gene, results from a C to T substitution at nucleotide position 5792. The alanine at codon 1931 is replaced by valine, an amino acid with similar properties. This amino acid position is conserved. In addition, this alteration is predicted to be deleterious by in silico analysis. Since supporting evidence is limited at this time, the clinical significance of this alteration remains unclear.